The following is an entry in ClinVar:

ClinVar aggregate classification (germline): Pathogenic (1 of 4 stars; one submission).

Conditions:
Cystic fibrosis (CF). Also called: MUCOVISCIDOSIS. Identifiers: Orphanet 586, MedGen C0010674, MONDO:0009061, OMIM 219700. Disease mechanism: loss of function.

Submission:

Labcorp Genetics (formerly Invitae), Labcorp
Classification: Pathogenic for Cystic fibrosis. Last evaluated: 2020-06-13. Review status: criteria provided, single submitter. Criteria: Invitae Variant Classification Sherloc (09022015). Collection method: clinical testing. Allele origin: germline.
Comment: This sequence change creates a premature translational stop signal (p.Thr854Asnfs*42) in the CFTR gene. It is expected to result in an absent or disrupted protein product. This variant is not present in population databases (ExAC no frequency). This variant has not been reported in the literature in individuals with CFTR-related conditions. Loss-of-function variants in CFTR are known to be pathogenic (PMID: 1695717, 7691345, 9725922). For these reasons, this variant has been classified as Pathogenic.

Literature cited by the submitters: PubMed 1695717; PubMed 7691345; PubMed 9725922.

NM_000492.4(CFTR):c.2560dup (p.Thr854fs)

Gene: CFTR (CF transmembrane conductance regulator; plus strand). Cytogenetic location: 7q31.2.
Variant type: Duplication.
Coding change: c.2560dup on transcript NM_000492.4 (MANE Select); coding-DNA position 2560, one base duplicated (A; older notation c.2560dupA).
Protein change: p.Thr854fs; shifts the reading frame from threonine 854.
Molecular consequence: frameshift variant.
Genome position (GRCh38, 1-based): chr7:117,594,999, A duplicated. VCF-style (leftmost placement, unchanged base first): chr7-117594998-T-TA. GRCh37 (hg19) VCF-style: chr7-117235052-T-TA.
Other names: short protein forms T854fs.
Identifiers: ClinVar variation 1069281 (VCV001069281.7), dbSNP rs2116039575, ClinGen allele CA2499218684.